The following is an entry in ClinVar:

ClinVar aggregate classification (germline): Uncertain significance (1 of 4 stars; one submission).

Allele frequency attached by ClinVar (database versions not stated): gnomAD exomes below 0.00001.
gnomAD v4.1: 2 of 1,613,802 alleles (0.00012%); highest among the groups gnomAD compares: Non-Finnish European, 0.00017%; no homozygotes.

Submission:

GeneDx
Classification: Uncertain significance. Last evaluated: 2022-02-06. Review status: criteria provided, single submitter. Criteria: GeneDx Variant Classification Process June 2021. Collection method: clinical testing. Allele origin: germline. Affected: yes.
Comment: Not observed at significant frequency in large population cohorts (gnomAD); In silico analysis supports that this missense variant has a deleterious effect on protein structure/function; Has not been previously published as pathogenic or benign to our knowledge

NM_000130.5(F5):c.622G>C (p.Asp208His)

Gene: F5 (coagulation factor V; minus strand). Cytogenetic location: 1q24.2.
Variant type: single nucleotide variant.
Coding change: c.622G>C on transcript NM_000130.5 (MANE Select); coding-DNA position 622, G replaced by C.
Protein change: p.Asp208His; replaces aspartic acid 208 with histidine.
Molecular consequence: missense variant.
Genome position (GRCh38, 1-based): chr1:169,559,261, C>G on the plus strand (G>C on the coding strand, the complement: F5 is on the minus strand). VCF-style: chr1-169559261-C-G. GRCh37 (hg19) VCF-style: chr1-169528499-C-G.
Other names: short protein forms D208H.
Identifiers: ClinVar variation 1703474 (VCV001703474.2), dbSNP rs2526442030, ClinGen allele CA343136358.